The following is an entry in ClinVar:

ClinVar aggregate classification (germline): Pathogenic (1 of 4 stars; one submission).

Conditions:
Midface hypoplasia, hearing impairment, elliptocytosis, and nephrocalcinosis (MFHIEN). Identifiers: Orphanet 688581, MedGen C4310810, MONDO:0010516, OMIM 300990.

Submission:

Victorian Clinical Genetics Services, Murdoch Childrens Research Institute
Classification: Pathogenic for Midface hypoplasia, hearing impairment, elliptocytosis, and nephrocalcinosis. Last evaluated: 2024-12-16. Review status: criteria provided, single submitter. Criteria: ACMG Guidelines, 2015. Collection method: clinical testing. Allele origin: germline.
Comment: This variant is classified as Pathogenic. Evidence in support of pathogenic classification: Variant is predicted to cause nonsense-mediated decay (NMD) and loss of protein (premature termination codon is located at least 54 nucleotides upstream of the final exon-exon junction); Variant is absent from gnomAD (v2, v3 and v4); Other NMD-predicted variant(s) comparable to the one identified in this case have strong previous evidence for pathogenicity (DECIPHER, PMIDs: 29193635, 28089922); Additional information: This variant is heterozygous; This gene is associated with X-linked recessive disease. Heterozygous females may be asymptomatic or mildly affected (PMID: 35084080); This variant has no previous evidence of pathogenicity; No published segregation evidence has been identified for this variant; No published functional evidence has been identified for this variant; Loss of function is a known mechanism of disease in this gene and is associated with midface hypoplasia, hearing impairment, elliptocytosis, and nephrocalcinosis (MIM#300990).

Literature cited by the submitters: PubMed 28089922; PubMed 29193635; PubMed 35084080.

NM_015365.3(AMMECR1):c.756del (p.Ala253fs)

Gene: AMMECR1 (AMMECR nuclear protein 1; minus strand). Cytogenetic location: Xq23.
Variant type: Deletion.
Coding change: c.756del on transcript NM_015365.3 (MANE Select); coding-DNA position 756, one base deleted (C; older notation c.756delC).
Protein change: p.Ala253fs; shifts the reading frame from alanine 253.
Molecular consequence: frameshift variant.
Genome position (GRCh38, 1-based): chrX:110,202,480, G deleted on the plus strand (C on the coding strand, the reverse complement: AMMECR1 is on the minus strand); the first of 2 consecutive G bases (chrX:110,202,480-110,202,481); deleting either gives the same sequence. VCF-style (leftmost placement, unchanged base first): chrX-110202479-CG-C. GRCh37 (hg19) VCF-style: chrX-109445707-CG-C.
Other names: c.645del, p.Ala216fs (NM_001025580.2); c.387del, p.Ala130fs (NM_001171689.2); short protein forms A130fs, A216fs, A253fs.
Identifiers: ClinVar variation 4532147 (VCV004532147.1).
Genomic context (GRCh38, chrX:110,202,479, plus strand): 5'-TCATATGAAATAAAGTACAACAATGACCTTGCTCCTTTGCAACCTCCGGTAGGTAGGTGG[CG>C]GTGCGTTTTGATCCTTTTTCATTGATGAATTCTATTCTAATGCCATGTACACCCACCTGA-3'